The following is an entry in ClinVar:

ClinVar aggregate classification (germline): Uncertain significance. Review status: criteria provided, multiple submitters, no conflicts (2 of 4 stars). 2 submissions from 2 submitters: Uncertain significance (2). Last evaluated 2025-08-20.

Conditions:
Inborn genetic diseases. Identifiers: MedGen C0950123, MeSH D030342.

Allele frequency attached by ClinVar (database versions not stated): TOPMed 0.00002; gnomAD 0.00003.
gnomAD v4.1: 16 of 1,613,874 alleles (0.00099%); highest among the groups gnomAD compares: East Asian, 0.013%; no homozygotes.

Submissions (2):

Labcorp Genetics (formerly Invitae), Labcorp
Classification: Uncertain significance. Last evaluated: 2025-08-20. Review status: criteria provided, single submitter. Criteria: Invitae Variant Classification Sherloc (09022015). Collection method: clinical testing. Allele origin: germline.
Comment: This sequence change replaces lysine, which is basic and polar, with asparagine, which is neutral and polar, at codon 301 of the MATN3 protein (p.Lys301Asn). This variant is present in population databases (no rsID available, gnomAD 0.02%). This variant has not been reported in the literature in individuals affected with MATN3-related conditions. ClinVar contains an entry for this variant (Variation ID: 1051982). Invitae Evidence Modeling of protein sequence and biophysical properties (such as structural, functional, and spatial information, amino acid conservation, physicochemical variation, residue mobility, and thermodynamic stability) indicates that this missense variant is not expected to disrupt MATN3 protein function with a negative predictive value of 80%. In summary, the available evidence is currently insufficient to determine the role of this variant in disease. Therefore, it has been classified as a Variant of Uncertain Significance.

Ambry Genetics
Classification: Uncertain significance for Inborn genetic diseases. Last evaluated: 2023-08-28. Review status: criteria provided, single submitter. Criteria: Ambry Variant Classification Scheme 2023. Collection method: clinical testing. Allele origin: germline.

NM_002381.5(MATN3):c.903G>C (p.Lys301Asn)

Genes: MATN3 (matrilin 3; minus strand), WDR35-DT (WDR35 divergent transcript; plus strand). Cytogenetic location: 2p24.1.
Variant type: single nucleotide variant.
Coding change: c.903G>C on transcript NM_002381.5 (MANE Select); coding-DNA position 903, G replaced by C.
Protein change: p.Lys301Asn; replaces lysine 301 with asparagine.
Molecular consequence: missense variant.
Genome position (GRCh38, 1-based): chr2:20,003,174, C>G on the plus strand (G>C on the coding strand, the complement: MATN3 is on the minus strand). VCF-style: chr2-20003174-C-G. GRCh37 (hg19) VCF-style: chr2-20202935-C-G.
Other names: c.903G>C (NM_002381.4); short protein forms K301N.
Identifiers: ClinVar variation 1051982 (VCV001051982.10), dbSNP rs200161462, ClinGen allele CA345950084.